The following is an entry in ClinVar:

ClinVar aggregate classification (germline): Pathogenic (1 of 4 stars; one submission).

Conditions:
Hyperkalemic periodic paralysis. Also called: Familial hyperkalemic periodic paralysis; Gamstorp disease. Identifiers: Orphanet 682, MedGen C0238357, MONDO:0008224, OMIM 170500, HP:0007215.

Submission:

Labcorp Genetics (formerly Invitae), Labcorp
Classification: Pathogenic for Hyperkalemic periodic paralysis. Last evaluated: 2023-03-23. Review status: criteria provided, single submitter. Criteria: Invitae Variant Classification Sherloc (09022015). Collection method: clinical testing. Allele origin: germline.
Comment: This sequence change replaces alanine, which is neutral and non-polar, with proline, which is neutral and non-polar, at codon 715 of the SCN4A protein (p.Ala715Pro). This variant is not present in population databases (gnomAD no frequency). This missense change has been observed in individual(s) with clinical features of paramyotonia congenita (Invitae). It has also been observed to segregate with disease in related individuals. ClinVar contains an entry for this variant (Variation ID: 1061004). Advanced modeling of protein sequence and biophysical properties (such as structural, functional, and spatial information, amino acid conservation, physicochemical variation, residue mobility, and thermodynamic stability) performed at Invitae indicates that this missense variant is expected to disrupt SCN4A protein function. This variant disrupts the p.Ala715 amino acid residue in SCN4A. Other variant(s) that disrupt this residue have been determined to be pathogenic (PMID: 16786525, 33965302; Invitae). This suggests that this residue is clinically significant, and that variants that disrupt this residue are likely to be disease-causing. For these reasons, this variant has been classified as Pathogenic.

Literature cited by the submitters: PubMed 16786525; PubMed 33965302.

NM_000334.4(SCN4A):c.2143G>C (p.Ala715Pro)

Genes: GH-LCR (growth hormone locus control region; plus strand), SCN4A (sodium voltage-gated channel alpha subunit 4; minus strand). Cytogenetic location: 17q23.3.
Variant type: single nucleotide variant.
Coding change: c.2143G>C on transcript NM_000334.4 (MANE Select); coding-DNA position 2143, G replaced by C.
Protein change: p.Ala715Pro; replaces alanine 715 with proline.
Molecular consequence: missense variant.
Genome position (GRCh38, 1-based): chr17:63,957,395, C>G on the plus strand (G>C on the coding strand, the complement: SCN4A is on the minus strand). VCF-style: chr17-63957395-C-G. GRCh37 (hg19) VCF-style: chr17-62034755-C-G.
Other names: short protein forms A715P.
Identifiers: ClinVar variation 1061004 (VCV001061004.9), dbSNP rs749400108, ClinGen allele CA400630978.